The following is an entry in ClinVar:

ClinVar aggregate classification (germline): Uncertain significance (1 of 4 stars; one submission).

Conditions:
Hereditary cancer-predisposing syndrome. Also called: Tumor predisposition; Hereditary Cancer Syndrome; Neoplastic Syndromes, Hereditary; Hereditary neoplastic syndrome. Identifiers: Orphanet 140162, MedGen C0027672, MeSH D009386, MONDO:0015356.

Allele frequency attached by ClinVar (database versions not stated): gnomAD exomes below 0.00001.
gnomAD v4.1: 1 of 1,611,490 alleles (0.000062%); highest among the groups gnomAD compares: Non-Finnish European, 0.000085%; no homozygotes.

Submission:

Ambry Genetics
Classification: Uncertain significance for Hereditary cancer-predisposing syndrome. Last evaluated: 2026-02-12. Review status: criteria provided, single submitter. Criteria: Ambry Variant Classification Scheme 2023. Collection method: clinical testing. Allele origin: germline.
Comment: The c.1783+4A>G intronic variant results from an A to G substitution 4 nucleotides after coding exon 14 in the MRE11A gene. This nucleotide position is well conserved in available vertebrate species. In silico splice site analysis predicts that this alteration will not have any significant effect on splicing. Based on the available evidence, the clinical significance of this variant remains unclear.

NM_005591.4(MRE11):c.1783+4A>G

Gene: MRE11 (MRE11 double strand break repair nuclease; minus strand). Cytogenetic location: 11q21.
Variant type: single nucleotide variant.
Coding change: c.1783+4A>G on transcript NM_005591.4 (MANE Select); 4 bases into the intron after coding-DNA position 1783, A replaced by G.
Molecular consequence: intron variant.
Genome position (GRCh38, 1-based): chr11:94,447,215, T>C on the plus strand (A>G on the coding strand, the complement: MRE11 is on the minus strand). VCF-style: chr11-94447215-T-C. GRCh37 (hg19) VCF-style: chr11-94180381-T-C.
Other names: c.1783+4A>G (NM_001330347.2, NM_005590.4).
Identifiers: ClinVar variation 483636 (VCV000483636.6), dbSNP rs1555005259, ClinGen allele CA658658095.